The following is an entry in ClinVar:

NM_012301.4(MAGI2):c.3032-5C>T

Gene: MAGI2 (membrane associated guanylate kinase, WW and PDZ domain containing 2; minus strand). Cytogenetic location: 7q21.11.
Variant type: single nucleotide variant.
Coding change: c.3032-5C>T on transcript NM_012301.4 (MANE Select); 5 bases into the intron before coding-DNA position 3032, C replaced by T.
Molecular consequence: intron variant.
Genome position (GRCh38, 1-based): chr7:78,133,065, G>A on the plus strand (C>T on the coding strand, the complement: MAGI2 is on the minus strand). VCF-style: chr7-78133065-G-A. GRCh37 (hg19) VCF-style: chr7-77762382-G-A.
Other names: c.2990-5C>T (NM_001301128.2).
Identifiers: ClinVar variation 3048447 (VCV003048447.2), dbSNP rs564451372, ClinGen allele CA4313603.

ClinVar aggregate classification (germline): Likely benign (0 of 4 stars; one submission).

Conditions:
MAGI2-related disorder. Also called: MAGI2-related condition.

Allele frequency attached by ClinVar (database versions not stated): TOPMed below 0.00001; ExAC 0.00002; gnomAD 0.00002; gnomAD exomes 0.00003; 1000 Genomes Project 30x 0.00016; 1000 Genomes Project 0.00020.
gnomAD v4.1: 44 of 1,539,776 alleles (0.0029%); highest among the groups gnomAD compares: South Asian, 0.046%; no homozygotes.

Submission:

PreventionGenetics, part of Exact Sciences
Classification: Likely benign for MAGI2-related condition. Last evaluated: 2019-12-31. Review status: no assertion criteria provided. Collection method: clinical testing. Allele origin: germline.
Comment: This variant is classified as likely benign based on ACMG/AMP sequence variant interpretation guidelines (Richards et al. 2015 PMID: 25741868, with internal and published modifications).